The following is an entry in ClinVar:

ClinVar aggregate classification (germline): Benign. Review status: criteria provided, single submitter (1 of 4 stars). 2 submissions from 2 submitters: Benign (1). 1 of the submissions does not count toward it. Last evaluated 2026-01-27.

Conditions:
COL13A1-related disorder. Also called: COL13A1-related condition.

Allele frequency attached by ClinVar (database versions not stated): 1000 Genomes Project 30x 0.00047; ESP Exome Variant Server 0.00050; 1000 Genomes Project 0.00060; TOPMed 0.00061; gnomAD 0.00076 and 0.00077; ExAC 0.00109.
gnomAD v4.1: 1,745 of 1,612,796 alleles (0.11%); highest among the groups gnomAD compares: Non-Finnish European, 0.12%; 2 homozygotes.

Submissions (2):

Labcorp Genetics (formerly Invitae), Labcorp
Classification: Benign. Last evaluated: 2026-01-27. Review status: criteria provided, single submitter. Criteria: Invitae Variant Classification Sherloc (09022015). Collection method: clinical testing. Allele origin: germline.

PreventionGenetics, part of Exact Sciences
Classification: Likely benign for COL13A1-related condition. Last evaluated: 2020-03-16. Review status: no assertion criteria provided. Collection method: clinical testing. Allele origin: germline. Not counted in ClinVar's aggregate classification.
Comment: This variant is classified as likely benign based on ACMG/AMP sequence variant interpretation guidelines (Richards et al. 2015 PMID: 25741868, with internal and published modifications).

NM_001368882.1(COL13A1):c.975C>A (p.Pro325=)

Gene: COL13A1 (collagen type XIII alpha 1 chain; plus strand). Cytogenetic location: 10q22.1.
Variant type: single nucleotide variant.
Coding change: c.975C>A on transcript NM_001368882.1 (MANE Select); coding-DNA position 975, C replaced by A.
Protein change: p.Pro325=; no amino-acid change (proline 325 retained).
Molecular consequence: synonymous variant.
Genome position (GRCh38, 1-based): chr10:69,918,293, C>A. VCF-style: chr10-69918293-C-A. GRCh37 (hg19) VCF-style: chr10-71678049-C-A.
Other names: c.1005C>A, p.Pro335= (NM_001130103.2); c.975C>A, p.Pro325= (NM_001320951.2, NM_001368884.1); c.939C>A, p.Pro313= (NM_001368883.1, NM_001368885.1, NM_080801.4 and 1 more transcripts); c.375C>A, p.Pro125= (NM_001368886.1); c.885C>A, p.Pro295= (NM_001368895.1); c.834C>A, p.Pro278= (NM_001368896.1, NM_001368898.1, NM_080798.4); c.861C>A, p.Pro287= (NM_001368897.1); c.948C>A, p.Pro316= (NM_080800.4); and 1 more.
Identifiers: ClinVar variation 708942 (VCV000708942.12), dbSNP rs183138448, ClinGen allele CA5534550.